The following is an entry in ClinVar:

NM_005996.4(TBX3):c.1959A>G (p.Lys653=)

Gene: TBX3 (T-box transcription factor 3; minus strand). Cytogenetic location: 12q24.21.
Variant type: single nucleotide variant.
Coding change: c.1959A>G on transcript NM_005996.4 (MANE Select); coding-DNA position 1959, A replaced by G.
Protein change: p.Lys653=; no amino-acid change (lysine 653 retained).
Molecular consequence: synonymous variant.
Genome position (GRCh38, 1-based): chr12:114,672,054, T>C on the plus strand (A>G on the coding strand, the complement: TBX3 is on the minus strand). VCF-style: chr12-114672054-T-C. GRCh37 (hg19) VCF-style: chr12-115109859-T-C.
Other names: c.2019A>G, p.Lys673= (NM_016569.4).
Identifiers: ClinVar variation 3351839 (VCV003351839.1).
Genomic context (GRCh38, chr12:114,672,054, plus strand): 5'-GTTGAGTTCAGAGCCCGAGTCCACTGCCACCGAGGCCGGGCTGGCGGCCAGGGCGGCGAC[T>C]TTGCCGTCCAGGGGCCCCGCGGCCGCCGCCATGGAGGGCAGGGCGGTGGTGAGCAGACTG-3'
Protein context (NP_005987.3, residues 643-663): MAAAAGPLDG[Lys653=]VAALAASPAS

ClinVar aggregate classification (germline): Likely benign (0 of 4 stars; one submission).

Conditions:
TBX3-related disorder. Also called: TBX3-related condition.

gnomAD v4.1: 2 of 1,575,910 alleles (0.00013%); highest among the groups gnomAD compares: South Asian, 0.0023%; no homozygotes.

Submission:

PreventionGenetics, part of Exact Sciences
Classification: Likely benign for TBX3-related condition. Last evaluated: 2021-12-09. Review status: no assertion criteria provided. Collection method: clinical testing. Allele origin: germline.
Comment: This variant is classified as likely benign based on ACMG/AMP sequence variant interpretation guidelines (Richards et al. 2015 PMID: 25741868, with internal and published modifications).